The following is an entry in ClinVar:

ClinVar aggregate classification (germline): Conflicting classifications of pathogenicity. Review status: criteria provided, conflicting classifications (1 of 4 stars). 4 submissions from 4 submitters: Uncertain significance (1); Likely benign (3). Last evaluated 2026-01-08.

Conditions:
Juvenile polyposis syndrome (JPS). Identifiers: Orphanet 2929, MedGen C0345893, MONDO:0017380, OMIM 174900.
Hereditary cancer-predisposing syndrome. Also called: Tumor predisposition; Neoplastic Syndromes, Hereditary; Hereditary neoplastic syndrome; Hereditary Cancer Syndrome. Identifiers: Orphanet 140162, MedGen C0027672, MeSH D009386, MONDO:0015356.

Allele frequency attached by ClinVar (database versions not stated): gnomAD 0.00001; TOPMed 0.00002; gnomAD exomes 0.00005.
gnomAD v4.1: 70 of 1,613,418 alleles (0.0043%); highest among the groups gnomAD compares: Non-Finnish European, 0.0058%; no homozygotes.

Submissions (4):

Labcorp Genetics (formerly Invitae), Labcorp
Classification: Likely benign for Juvenile polyposis syndrome. Last evaluated: 2026-01-08. Review status: criteria provided, single submitter. Criteria: Invitae Variant Classification Sherloc (09022015). Collection method: clinical testing. Allele origin: germline.

Color Diagnostics, LLC DBA Color Health
Classification: Uncertain significance for Hereditary cancer-predisposing syndrome. Last evaluated: 2023-11-07. Review status: criteria provided, single submitter. Criteria: ACMG Guidelines, 2015. Collection method: clinical testing. Allele origin: germline.
Comment: This variant causes a C to A nucleotide substitution at the -15 position of intron 8 of the BMPR1A gene. Splice site prediction tools suggest that this variant may not impact RNA splicing. To our knowledge, functional studies have not been reported for this variant. This variant has not been reported in individuals affected with BMPR1A-related disorders in the literature. This variant has not been identified in the general population by the Genome Aggregation Database (gnomAD). The available evidence is insufficient to determine the role of this variant in disease conclusively. Therefore, this variant is classified as a Variant of Uncertain Significance.

Blueprint Genetics
Classification: Likely benign. Last evaluated: 2023-11-02. Review status: criteria provided, single submitter. Criteria: ACMG Guidelines, 2015. Collection method: clinical testing. Allele origin: germline.

GeneDx
Classification: Likely benign. Last evaluated: 2016-03-09. Review status: criteria provided, single submitter. Criteria: GeneDx Variant Classification (06012015). Collection method: clinical testing. Allele origin: germline. Affected: yes.
Comment: This variant is considered likely benign or benign based on one or more of the following criteria: it is a conservative change, it occurs at a poorly conserved position in the protein, it is predicted to be benign by multiple in silico algorithms, and/or has population frequency not consistent with disease.

NM_004329.3(BMPR1A):c.676-15C>A

Gene: BMPR1A (bone morphogenetic protein receptor type 1A; plus strand). Cytogenetic location: 10q23.2.
Variant type: single nucleotide variant.
Coding change: c.676-15C>A on transcript NM_004329.3 (MANE Select); 15 bases into the intron before coding-DNA position 676, C replaced by A.
Molecular consequence: intron variant.
Genome position (GRCh38, 1-based): chr10:86,917,119, C>A. VCF-style: chr10-86917119-C-A. GRCh37 (hg19) VCF-style: chr10-88676876-C-A.
Identifiers: ClinVar variation 380371 (VCV000380371.12), dbSNP rs918982108, ClinGen allele CA16605967.